The following is an entry in ClinVar:

ClinVar aggregate classification (germline): Conflicting classifications of pathogenicity. Review status: criteria provided, conflicting classifications (1 of 4 stars). 5 submissions from 5 submitters: Uncertain significance (3); Likely benign (1). 1 of the submissions does not count toward it. Last evaluated 2024-12-14.

Conditions:
Inborn genetic diseases. Identifiers: MedGen C0950123, MeSH D030342.
Microcephaly 2, primary, autosomal recessive, with or without cortical malformations. Also called: WDR62 Primary Microcephaly; MICROCEPHALY 2, PRIMARY, AUTOSOMAL RECESSIVE, WITH CORTICAL MALFORMATIONS. Identifiers: Orphanet 2512, MedGen C1858535, MONDO:0011435, OMIM 604317.
Intellectual disability. Also called: Intellectual functioning disability; Intellectual developmental disorder; intellectual disabilities. Identifiers: MedGen C3714756, MeSH D008607, MONDO:0001071, HP:0001249.

Allele frequency attached by ClinVar (database versions not stated): gnomAD exomes 0.00002; ExAC 0.00002; TOPMed 0.00003.
gnomAD v4.1: 43 of 1,613,474 alleles (0.0027%); highest among the groups gnomAD compares: African/African-American, 0.012%; no homozygotes.

Submissions (5):

Ambry Genetics
Classification: Likely benign for Inborn genetic diseases. Last evaluated: 2024-12-14. Review status: criteria provided, single submitter. Criteria: Ambry Variant Classification Scheme 2023. Collection method: clinical testing. Allele origin: germline.

GeneDx
Classification: Uncertain significance. Last evaluated: 2022-03-17. Review status: criteria provided, single submitter. Criteria: GeneDx Variant Classification Process June 2021. Collection method: clinical testing. Allele origin: germline. Affected: yes.
Comment: Not observed at significant frequency in large population cohorts (gnomAD); In silico analysis supports that this missense variant does not alter protein structure/function; Has not been previously published as pathogenic or benign to our knowledge

Illumina Laboratory Services, Illumina
Classification: Uncertain significance for Microcephaly 2, primary, autosomal recessive, with or without cortical malformations. Last evaluated: 2018-01-13. Review status: criteria provided, single submitter. Criteria: ICSL Variant Classification Criteria 13 December 2019. Collection method: clinical testing. Allele origin: germline.

Genetic Services Laboratory, University of Chicago
Classification: Uncertain significance. Last evaluated: 2014-12-11. Review status: criteria provided, single submitter. Criteria: ACMG Guidelines, 2015. Collection method: clinical testing. Allele origin: germline.

Centre de Biologie Pathologie Génétique, Centre Hospitalier Universitaire de Lille
Classification: Uncertain significance for Intellectual disability. Last evaluated: 2019-01-01. Review status: no assertion criteria provided. Collection method: clinical testing. Allele origin: unknown. Affected: yes. Not counted in ClinVar's aggregate classification.

NM_001083961.2(WDR62):c.4187G>A (p.Arg1396His)

Gene: WDR62 (WD repeat domain 62; plus strand). Cytogenetic location: 19q13.12.
Variant type: single nucleotide variant.
Coding change: c.4187G>A on transcript NM_001083961.2 (MANE Select); coding-DNA position 4187, G replaced by A.
Protein change: p.Arg1396His; replaces arginine 1396 with histidine.
Molecular consequence: missense variant.
Genome position (GRCh38, 1-based): chr19:36,104,551, G>A. VCF-style: chr19-36104551-G-A. GRCh37 (hg19) VCF-style: chr19-36595453-G-A.
Other names: c.4172G>A, p.Arg1391His (NM_173636.5); short protein forms R1396H, R1391H.
Identifiers: ClinVar variation 212607 (VCV000212607.13), dbSNP rs372272053, ClinGen allele CA207773.